The following is an entry in ClinVar:

ClinVar aggregate classification (germline): Pathogenic (1 of 4 stars; one submission).

Conditions:
Multiple gastrointestinal atresias. Also called: Multiple intestinal atresia; FAMILIAL INTESTINAL POLYATRESIA SYNDROME. Identifiers: Orphanet 2300, MedGen C0220744, MONDO:0009465.

Submission:

Labcorp Genetics (formerly Invitae), Labcorp
Classification: Pathogenic for Multiple gastrointestinal atresias. Last evaluated: 2024-01-06. Review status: criteria provided, single submitter. Criteria: Invitae Variant Classification Sherloc (09022015). Collection method: clinical testing. Allele origin: germline.
Comment: This sequence change creates a premature translational stop signal (p.Glu484*) in the TTC7A gene. It is expected to result in an absent or disrupted protein product. Loss-of-function variants in TTC7A are known to be pathogenic (PMID: 23830146, 24292712). This variant is not present in population databases (gnomAD no frequency). This variant has not been reported in the literature in individuals affected with TTC7A-related conditions. For these reasons, this variant has been classified as Pathogenic.

Literature cited by the submitters: PubMed 23830146; PubMed 24292712.

NM_020458.4(TTC7A):c.1450G>T (p.Glu484Ter)

Gene: TTC7A (tetratricopeptide repeat domain 7A; plus strand). Cytogenetic location: 2p21.
Variant type: single nucleotide variant.
Coding change: c.1450G>T on transcript NM_020458.4 (MANE Select); coding-DNA position 1450, G replaced by T.
Protein change: p.Glu484Ter; replaces glutamic acid 484 with a stop codon.
Molecular consequence: nonsense.
Genome position (GRCh38, 1-based): chr2:47,021,919, G>T. VCF-style: chr2-47021919-G-T. GRCh37 (hg19) VCF-style: chr2-47249058-G-T.
Other names: c.1450G>T, p.Glu484Ter (NM_001288951.2); c.1348G>T, p.Glu450Ter (NM_001288953.2); c.388G>T, p.Glu130Ter (NM_001288955.2); short protein forms E130*, E484*, E450*.
Identifiers: ClinVar variation 2707939 (VCV002707939.3), dbSNP rs778271393, ClinGen allele CA346716037.
Genomic context (GRCh38, chr2:47,021,919, plus strand): 5'-CAGCTAGAGGAAGCAGAGCACTTTGCCATGATGGTGATCAGCCTCGGAGAGGAAGCCGGG[G>T]AGTTCCTCCCCAAGGGCTACCTGGCTCTGGGTCTCACCTATAGCCTGCAGGCCACCGACG-3'